The following is an entry in ClinVar:

ClinVar aggregate classification (germline): Likely pathogenic (0 of 4 stars; one submission).

Conditions:
Juvenile polyposis syndrome (JPS). Identifiers: Orphanet 2929, MedGen C0345893, MONDO:0017380, OMIM 174900.

Submission:

deCODE genetics, Amgen
Classification: Likely pathogenic for Juvenile polyposis syndrome. Last evaluated: 2023-07-21. Review status: no assertion criteria provided. Collection method: research. Allele origin: germline. Affected: yes. Observed: 1 variant allele.
Comment: The variant NM_004329.3:c.614C>A (chr10:86912323) in BMPR1A was detected in 1 heterozygote out of 58K WGS Icelanders (MAF= 0,001%). This variant has not been reported in ClinVar previously. Based on ACMG criteria (PVS1, PM2) this variant classifies as likely pathogenic.

NM_004329.3(BMPR1A):c.614C>A (p.Ser205Ter)

Gene: BMPR1A (bone morphogenetic protein receptor type 1A; plus strand). Cytogenetic location: 10q23.2.
Variant type: single nucleotide variant.
Coding change: c.614C>A on transcript NM_004329.3 (MANE Select); coding-DNA position 614, C replaced by A.
Protein change: p.Ser205Ter; replaces serine 205 with a stop codon.
Molecular consequence: nonsense. On other transcripts: non-coding transcript variant (3), intron variant (1).
Genome position (GRCh38, 1-based): chr10:86,912,323, C>A. VCF-style: chr10-86912323-C-A. GRCh37 (hg19) VCF-style: chr10-88672080-C-A.
Other names: c.689C>A, p.Ser230Ter (NM_001406559.1); c.662C>A, p.Ser221Ter (NM_001406560.1); c.614C>A, p.Ser205Ter (NM_001406561.1, NM_001406562.1, NM_001406563.1 and 20 more transcripts); c.530C>A, p.Ser177Ter (NM_001406584.1, NM_001406585.1, NM_001406586.1 and 2 more transcripts); c.334-4811C>A (NM_001406589.1); short protein forms S177*, S205*, S221*, S230*.
Identifiers: ClinVar variation 2574079 (VCV002574079.1), dbSNP rs2539573512, ClinGen allele CA377454782.
Genomic context (GRCh38, chr10:86,912,323, plus strand): 5'-GCAGACGTCGTTACAATCGTGATTTGGAACAGGATGAAGCATTTATTCCAGTTGGAGAAT[C>A]ACTAAAAGACCTTATTGACCAGTCACAAAGTTCTGGTAGTGGGTCTGGACTACCTTTATT-3'